The following is an entry in ClinVar:

ClinVar aggregate classification (germline): Pathogenic/Likely pathogenic. Review status: criteria provided, multiple submitters, no conflicts (2 of 4 stars). 4 submissions from 4 submitters: Pathogenic (2); Likely pathogenic (2). Last evaluated 2026-04-16.

Conditions:
Rare genetic deafness. Identifiers: Orphanet 96210, MedGen C5680250.
Autosomal recessive nonsyndromic hearing loss 77. Identifiers: Orphanet 90636, MedGen C2746083, MONDO:0013119, OMIM 613079.

Submissions (4):

GeneDx
Classification: Likely pathogenic. Last evaluated: 2026-04-16. Review status: criteria provided, single submitter. Criteria: GeneDx Variant Classification Process June 2021. Collection method: clinical testing. Allele origin: germline.
Comment: Frameshift variant predicted to result in protein truncation or nonsense mediated decay in a gene for which loss of function is a known mechanism of disease; Not observed at significant frequency in large population cohorts (gnomAD); Has not been previously published as pathogenic or benign to our knowledge; This variant is associated with the following publications: (PMID: 31589614)

Labcorp Genetics (formerly Invitae), Labcorp
Classification: Pathogenic. Last evaluated: 2025-06-01. Review status: criteria provided, single submitter. Criteria: Invitae Variant Classification Sherloc (09022015). Collection method: clinical testing. Allele origin: germline.
Comment: This sequence change creates a premature translational stop signal (p.Gly768Alafs*165) in the LOXHD1 gene. It is expected to result in an absent or disrupted protein product. Loss-of-function variants in LOXHD1 are known to be pathogenic (PMID: 19732867, 21465660, 25792669). This variant is not present in population databases (gnomAD no frequency). This variant has not been reported in the literature in individuals affected with LOXHD1-related conditions. ClinVar contains an entry for this variant (Variation ID: 163919). For these reasons, this variant has been classified as Pathogenic.

Natera, Inc.
Classification: Likely pathogenic for Autosomal recessive deafness type 77. Last evaluated: 2024-10-09. Review status: criteria provided, single submitter. Criteria: Natera Variant Classification Schema (03/2026). Collection method: clinical testing. Allele origin: germline.
Comment: The c.2303delG variant in LOXHD1 is a frameshift variant predicted to shift the reading frame beginning at codon 768 and leads to a stop codon 165 codons downstream. This variant is expected to result in nonsense mediated decay, truncation, or a dysfunctional protein product. This variant is rare in the general population with a frequency below the threshold expected for the associated phenotype(s). Given the available evidence, this variant is classified as Likely Pathogenic.

Laboratory for Molecular Medicine, Mass General Brigham Personalized Medicine
Classification: Pathogenic for Rare genetic deafness. Last evaluated: 2014-05-15. Review status: criteria provided, single submitter. Criteria: LMM Criteria. Collection method: clinical testing. Allele origin: germline. Inheritance: Autosomal recessive inheritance. Observed: 1 variant allele.
Comment: The Gly768fs variant in LOXHD1 has not been previously identified in individuals with hearing loss and was absent from large population studies. This frameshift variant is predicted to alter the protein's amino acid sequence beginning at po sition 768 and lead to a premature termination codon 165 amino acids downstream. This alteration is then predicted to lead to a truncated or absent protein. Los s of function variants in the LOXHD1 gene have been previously reported to segre gate in affected individuals from several families with autosomal recessive nons yndromic hearing loss (Grillet 2009, Edvardson 2011). In summary, this variant m eets our criteria for pathogenicity.

Literature cited by the submitters: PubMed 19732867 (cited by Labcorp Genetics (formerly Invitae), Labcorp); PubMed 21465660 (cited by Labcorp Genetics (formerly Invitae), Labcorp); PubMed 25792669 (cited by Labcorp Genetics (formerly Invitae), Labcorp).

NM_001384474.1(LOXHD1):c.2303del (p.Gly768fs)

Gene: LOXHD1 (lipoxygenase homology PLAT domains 1; minus strand). Cytogenetic location: 18q21.1.
Variant type: Deletion.
Coding change: c.2303del on transcript NM_001384474.1 (MANE Select); coding-DNA position 2303, one base deleted (G; older notation c.2303delG).
Protein change: p.Gly768fs; shifts the reading frame from glycine 768.
Molecular consequence: frameshift variant.
Genome position (GRCh38, 1-based): chr18:46,566,391, C deleted on the plus strand (G on the coding strand, the reverse complement: LOXHD1 is on the minus strand); the first of 3 consecutive C bases (chr18:46,566,391-46,566,393); deleting any one gives the same sequence. VCF-style (leftmost placement, unchanged base first): chr18-46566390-GC-G. GRCh37 (hg19) VCF-style: chr18-44146353-GC-G.
Other names: c.2303del (NM_144612.6); c.2303delG (NM_144612.6); c.2303del, p.Gly768fs (NM_144612.7); short protein forms G768fs.
Identifiers: ClinVar variation 163919 (VCV000163919.11), dbSNP rs727503146, ClinGen allele CA273166.
Genomic context (GRCh38, chr18:46,566,390, plus strand): 5'-CCAGCGGTTGGCGGGAAAGGTGTACTGCTTGCCTTGACGGGGCACACGGATCTGAACGCT[GC>G]CCAGGAACCAGCTGGCATGCATGCCAGTGCTGTCATGCCCAATCACCAGCCGGTTGATCT-3'